The following is an entry in ClinVar:

NM_000141.5(FGFR2):c.16C>T (p.Arg6Cys)

Gene: FGFR2 (fibroblast growth factor receptor 2; minus strand). Cytogenetic location: 10q26.13.
Variant type: single nucleotide variant.
Coding change: c.16C>T on transcript NM_000141.5 (MANE Select); coding-DNA position 16, C replaced by T.
Protein change: p.Arg6Cys; replaces arginine 6 with cysteine.
Molecular consequence: missense variant. On other transcripts: non-coding transcript variant (1).
Genome position (GRCh38, 1-based): chr10:121,593,802, G>A on the plus strand (C>T on the coding strand, the complement: FGFR2 is on the minus strand). VCF-style: chr10-121593802-G-A. GRCh37 (hg19) VCF-style: chr10-123353316-G-A.
Other names: c.16C>T, p.Arg6Cys (NM_001144913.1, NM_001144914.1, NM_001144915.2 and 7 more transcripts); short protein forms R6C.
Identifiers: ClinVar variation 1000813 (VCV001000813.11), dbSNP rs141724446, ClinGen allele CA5721255.

ClinVar aggregate classification (germline): Conflicting classifications of pathogenicity. Review status: criteria provided, conflicting classifications (1 of 4 stars). 3 submissions from 3 submitters: Uncertain significance (2); Likely benign (1). Last evaluated 2024-06-28.

Conditions:
FGFR2-related craniosynostosis. Identifiers: MedGen CN231480.
Inborn genetic diseases. Identifiers: MedGen C0950123, MeSH D030342.
Jackson-Weiss syndrome (JWS). Also called: CRANIOSYNOSTOSIS, MIDFACIAL HYPOPLASIA, AND FOOT ABNORMALITIES. Identifiers: Orphanet 1540, MedGen C0795998, MONDO:0007400, OMIM 123150. Disease mechanism: loss of function.
Acrocephalosyndactyly type I (ACS1). Also called: Apert syndrome; Acrocephalo-syndactyly type 1; ACS 1; Syndactylic oxycephaly. Identifiers: Orphanet 87, MedGen C0001193, MONDO:0007041, OMIM 101200.
Levy-Hollister syndrome (LADD). Also called: LADD syndrome. Identifiers: Orphanet 2363, MedGen C0265269, MONDO:0007872.
Crouzon syndrome. Also called: CRANIOFACIAL DYSOSTOSIS, TYPE I; Craniofacial dysostosis; Craniofacial dysostosis type 1; Crouzon craniofacial dysostosis; Crouzon disease. Identifiers: Orphanet 207, MedGen C0010273, MeSH D003394, MONDO:0007405, OMIM 123500, HP:0004439.
Beare-Stevenson cutis gyrata syndrome (BSTVS). Identifiers: Orphanet 1555, MedGen C1852406, MONDO:0007412, OMIM 123790.
Antley-Bixler syndrome without genital anomalies or disordered steroidogenesis (ABS2). Also called: Antley-Bixler Syndrome, Autosomal Dominant; Trapezoidocephaly synostosis syndrome; Osteodysgenesis, multisynostotic with fractures; MULTISYNOSTOTIC OSTEODYSGENESIS WITH LONG BONE FRACTURES. Identifiers: Orphanet 596008, Orphanet 83, MedGen C2936791, MONDO:0020667, OMIM 207410.
Pfeiffer syndrome (ACS5). Also called: ACS V. Identifiers: Orphanet 710, MedGen C0220658, MONDO:0007043, OMIM 101600.
Saethre-Chotzen syndrome (SCS). Also called: ACROCEPHALY, SKULL ASYMMETRY, AND MILD SYNDACTYLY; ACS III; CHOTZEN SYNDROME. Identifiers: Orphanet 794, MedGen C0175699, MONDO:0007042, OMIM 101400.
Familial scaphocephaly syndrome, McGillivray type. Also called: SCAPHOCEPHALY, MAXILLARY RETRUSION, AND IMPAIRED INTELLECTUAL DEVELOPMENT. Identifiers: Orphanet 168624, MedGen C1865070, MONDO:0012307, OMIM 609579.
Bent bone dysplasia syndrome 1 (BBDS1). Also called: FGFR2-related bent bone dysplasia. Identifiers: Orphanet 313855, MedGen C3281247, MONDO:0013815, OMIM 614592.
Gastric cancer. Also called: Stomach cancer; Malignant tumor of stomach. Identifiers: MedGen C0024623, MeSH D013274, MONDO:0001056, OMIM 613659, HP:0012126.

Allele frequency attached by ClinVar (database versions not stated): ExAC 0.00003; gnomAD 0.00005; gnomAD exomes 0.00005; ESP Exome Variant Server 0.00008; TOPMed 0.00011; 1000 Genomes Project 30x 0.00016; 1000 Genomes Project 0.00020.
gnomAD v4.1: 26 of 1,614,152 alleles (0.0016%); highest among the groups gnomAD compares: Admixed American, 0.022%; no homozygotes.

Submissions (3):

Labcorp Genetics (formerly Invitae), Labcorp
Classification: Uncertain significance for FGFR2-related craniosynostosis. Last evaluated: 2024-06-28. Review status: criteria provided, single submitter. Criteria: Invitae Variant Classification Sherloc (09022015). Collection method: clinical testing. Allele origin: germline.
Comment: This sequence change replaces arginine, which is basic and polar, with cysteine, which is neutral and slightly polar, at codon 6 of the FGFR2 protein (p.Arg6Cys). This variant is present in population databases (rs141724446, gnomAD 0.02%). This variant has not been reported in the literature in individuals affected with FGFR2-related conditions. ClinVar contains an entry for this variant (Variation ID: 1000813). Advanced modeling of protein sequence and biophysical properties (such as structural, functional, and spatial information, amino acid conservation, physicochemical variation, residue mobility, and thermodynamic stability) has been performed at Invitae for this missense variant, however the output from this modeling did not meet the statistical confidence thresholds required to predict the impact of this variant on FGFR2 protein function. In summary, the available evidence is currently insufficient to determine the role of this variant in disease. Therefore, it has been classified as a Variant of Uncertain Significance.

Fulgent Genetics
Classification: Uncertain significance for Acrocephalosyndactyly type I; Saethre-Chotzen syndrome; Pfeiffer syndrome; Jackson-Weiss syndrome; Crouzon syndrome; Beare-Stevenson cutis gyrata syndrome; LADD syndrome 1; Antley-Bixler syndrome without genital anomalies or disordered steroidogenesis; Familial scaphocephaly syndrome, McGillivray type; Gastric cancer; Bent bone dysplasia syndrome 1. Last evaluated: 2022-03-26. Review status: criteria provided, single submitter. Criteria: ACMG Guidelines, 2015. Collection method: clinical testing. Allele origin: unknown.

Ambry Genetics
Classification: Likely benign for Inborn genetic diseases. Last evaluated: 2022-01-13. Review status: criteria provided, single submitter. Criteria: Ambry Variant Classification Scheme 2023. Collection method: clinical testing. Allele origin: germline.